The following is an entry in ClinVar:

ClinVar aggregate classification (germline): Uncertain significance. Review status: criteria provided, multiple submitters, no conflicts (2 of 4 stars). 2 submissions from 2 submitters: Uncertain significance (2). Last evaluated 2025-05-08.

Conditions:
Inborn genetic diseases. Identifiers: MedGen C0950123, MeSH D030342.

Allele frequency attached by ClinVar (database versions not stated): TOPMed below 0.00001; gnomAD exomes 0.00001; gnomAD 0.00002.
gnomAD v4.1: 15 of 1,614,102 alleles (0.00093%); highest among the groups gnomAD compares: Admixed American, 0.023%; no homozygotes.

Submissions (2):

Labcorp Genetics (formerly Invitae), Labcorp
Classification: Uncertain significance. Last evaluated: 2025-05-08. Review status: criteria provided, single submitter. Criteria: Invitae Variant Classification Sherloc (09022015). Collection method: clinical testing. Allele origin: germline.
Comment: This sequence change replaces threonine, which is neutral and polar, with serine, which is neutral and polar, at codon 1580 of the POLR1A protein (p.Thr1580Ser). This variant is present in population databases (no rsID available, gnomAD 0.006%). This variant has not been reported in the literature in individuals affected with POLR1A-related conditions. ClinVar contains an entry for this variant (Variation ID: 2168789). Invitae Evidence Modeling of protein sequence and biophysical properties (such as structural, functional, and spatial information, amino acid conservation, physicochemical variation, residue mobility, and thermodynamic stability) indicates that this missense variant is expected to disrupt POLR1A protein function with a positive predictive value of 80%. In summary, the available evidence is currently insufficient to determine the role of this variant in disease. Therefore, it has been classified as a Variant of Uncertain Significance.

Ambry Genetics
Classification: Uncertain significance for Inborn genetic diseases. Last evaluated: 2024-01-03. Review status: criteria provided, single submitter. Criteria: Ambry Variant Classification Scheme 2023. Collection method: clinical testing. Allele origin: germline.

NM_015425.6(POLR1A):c.4738A>T (p.Thr1580Ser)

Gene: POLR1A (RNA polymerase I subunit A; minus strand). Cytogenetic location: 2p11.2.
Variant type: single nucleotide variant.
Coding change: c.4738A>T on transcript NM_015425.6 (MANE Select); coding-DNA position 4738, A replaced by T.
Protein change: p.Thr1580Ser; replaces threonine 1580 with serine.
Molecular consequence: missense variant.
Genome position (GRCh38, 1-based): chr2:86,030,237, T>A on the plus strand (A>T on the coding strand, the complement: POLR1A is on the minus strand). VCF-style: chr2-86030237-T-A. GRCh37 (hg19) VCF-style: chr2-86257360-T-A.
Other names: c.4738A>T (NM_015425.3); short protein forms T1580S.
Identifiers: ClinVar variation 2168789 (VCV002168789.5), dbSNP rs1261991129, ClinGen allele CA347545323.